The following is an entry in ClinVar:

NM_004356.4(CD81):c.325G>A (p.Gly109Ser)

Gene: CD81 (CD81 molecule; plus strand). Cytogenetic location: 11p15.5.
Variant type: single nucleotide variant.
Coding change: c.325G>A on transcript NM_004356.4 (MANE Select); coding-DNA position 325, G replaced by A.
Protein change: p.Gly109Ser; replaces glycine 109 with serine.
Molecular consequence: missense variant.
Genome position (GRCh38, 1-based): chr11:2,395,017, G>A. VCF-style: chr11-2395017-G-A. GRCh37 (hg19) VCF-style: chr11-2416247-G-A.
Other names: c.112G>A, p.Gly38Ser (NM_001297649.2); short protein forms G109S, G38S.
Identifiers: ClinVar variation 2180588 (VCV002180588.4), dbSNP rs756885483, ClinGen allele CA5819956.

ClinVar aggregate classification (germline): Uncertain significance (1 of 4 stars; one submission).

Allele frequency attached by ClinVar (database versions not stated): gnomAD 0.00001; ExAC 0.00002; TOPMed 0.00002.
gnomAD v4.1: 17 of 1,612,428 alleles (0.0011%); highest among the groups gnomAD compares: Admixed American, 0.0067%; no homozygotes.

Submission:

Labcorp Genetics (formerly Invitae), Labcorp
Classification: Uncertain significance. Last evaluated: 2025-10-12. Review status: criteria provided, single submitter. Criteria: Invitae Variant Classification Sherloc (09022015). Collection method: clinical testing. Allele origin: germline.
Comment: This sequence change replaces glycine, which is neutral and non-polar, with serine, which is neutral and polar, at codon 109 of the CD81 protein (p.Gly109Ser). This variant is present in population databases (rs756885483, gnomAD 0.009%). This variant has not been reported in the literature in individuals affected with CD81-related conditions. ClinVar contains an entry for this variant (Variation ID: 2180588). An algorithm developed to predict the effect of missense changes on protein structure and function (PolyPhen-2) suggests that this variant is likely to be disruptive. In summary, the available evidence is currently insufficient to determine the role of this variant in disease. Therefore, it has been classified as a Variant of Uncertain Significance.